The following is an entry in ClinVar:

ClinVar aggregate classification (germline): Uncertain significance. Review status: criteria provided, multiple submitters, no conflicts (2 of 4 stars). 3 submissions from 3 submitters: Uncertain significance (2). 1 of the submissions does not count toward it. Last evaluated 2024-11-05.

Conditions:
Fanconi anemia (FA). Also called: Fanconi's anemia. Identifiers: Orphanet 84, MedGen C0015625, MeSH D005199, MONDO:0019391.
Fanconi anemia complementation group A (FANCA). Also called: Fanconi anemia, group A; FANCA-Related Fanconi Anemia. Identifiers: Orphanet 84, MedGen C3469521, MONDO:0009215, OMIM 227650.

Submissions (3):

Labcorp Genetics (formerly Invitae), Labcorp
Classification: Uncertain significance for Fanconi anemia. Last evaluated: 2024-11-05. Review status: criteria provided, single submitter. Criteria: Invitae Variant Classification Sherloc (09022015). Collection method: clinical testing. Allele origin: germline.
Comment: This sequence change replaces alanine, which is neutral and non-polar, with valine, which is neutral and non-polar, at codon 157 of the FANCA protein (p.Ala157Val). This variant is not present in population databases (gnomAD no frequency). This variant has not been reported in the literature in individuals affected with FANCA-related conditions. ClinVar contains an entry for this variant (Variation ID: 974190). Invitae Evidence Modeling of protein sequence and biophysical properties (such as structural, functional, and spatial information, amino acid conservation, physicochemical variation, residue mobility, and thermodynamic stability) indicates that this missense variant is not expected to disrupt FANCA protein function with a negative predictive value of 95%. In summary, the available evidence is currently insufficient to determine the role of this variant in disease. Therefore, it has been classified as a Variant of Uncertain Significance.

Quest Diagnostics Nichols Institute San Juan Capistrano
Classification: Uncertain significance. Last evaluated: 2024-07-10. Review status: criteria provided, single submitter. Criteria: Quest Diagnostics criteria. Collection method: clinical testing. Allele origin: unknown.
Comment: The FANCA c.470C>T (p.Ala157Val) variant has not been reported in individuals with FANCA-related conditions in the published literature. It also has not been reported in large, multi-ethnic general populations (Genome Aggregation Database). Analysis of this variant using bioinformatics tools for the prediction of the effect of amino acid changes on protein structure and function yielded conflicting predictions that this variant is deleterious or benign. Based on the available information, we are unable to determine the clinical significance of this variant.

Leiden Open Variation Database
Classification: Pathogenic for Fanconi anemia complementation group A. Last evaluated: 2020-02-28. Review status: no assertion criteria provided. Collection method: curation. Allele origin: germline. Affected: yes. Not counted in ClinVar's aggregate classification.
Comment: Curator: Arleen D. Auerbach. Submitter to LOVD: Arleen D. Auerbach.

Literature cited by the submitters: PubMed 27153395 (cited by Quest Diagnostics Nichols Institute San Juan Capistrano).

NM_000135.4(FANCA):c.470C>T (p.Ala157Val)

Gene: FANCA (FA complementation group A; minus strand). Cytogenetic location: 16q24.3.
Variant type: single nucleotide variant.
Coding change: c.470C>T on transcript NM_000135.4 (MANE Select); coding-DNA position 470, C replaced by T.
Protein change: p.Ala157Val; replaces alanine 157 with valine.
Molecular consequence: missense variant. On other transcripts: intron variant (1).
Genome position (GRCh38, 1-based): chr16:89,810,759, G>A on the plus strand (C>T on the coding strand, the complement: FANCA is on the minus strand). VCF-style: chr16-89810759-G-A. GRCh37 (hg19) VCF-style: chr16-89877167-G-A.
Other names: c.470C>T (NM_000135.3); c.470C>T, p.Ala157Val (NM_001018112.3, NM_001286167.3); c.426+170C>T (NM_001351830.2); short protein forms A157V.
Identifiers: ClinVar variation 974190 (VCV000974190.4), dbSNP rs1251792942, ClinGen allele CA397480748.